The following is an entry in ClinVar:

NM_144666.3(DNHD1):c.10717G>T (p.Glu3573Ter)

Gene: DNHD1 (dynein heavy chain domain 1; plus strand). Cytogenetic location: 11p15.4.
Variant type: single nucleotide variant.
Coding change: c.10717G>T on transcript NM_144666.3 (MANE Select); coding-DNA position 10717, G replaced by T.
Protein change: p.Glu3573Ter; replaces glutamic acid 3573 with a stop codon.
Molecular consequence: nonsense.
Genome position (GRCh38, 1-based): chr11:6,564,765, G>T. VCF-style: chr11-6564765-G-T. GRCh37 (hg19) VCF-style: chr11-6585995-G-T.
Other names: short protein forms E3573*.
Identifiers: ClinVar variation 931574 (VCV000931574.5), dbSNP rs763743788, ClinGen allele CA379391275.

ClinVar aggregate classification (germline): Conflicting classifications of pathogenicity. Review status: criteria provided, conflicting classifications (1 of 4 stars). 2 submissions from 2 submitters: Pathogenic (1); Uncertain significance (1). Last evaluated 2022-06-28.

Allele frequency attached by ClinVar (database versions not stated): TOPMed 0.00001.
gnomAD v4.1: 5 of 1,542,126 alleles (0.00032%); highest among the groups gnomAD compares: Non-Finnish European, 0.00044%; no homozygotes.

Submissions (2):

Labcorp Genetics (formerly Invitae), Labcorp
Classification: Pathogenic. Last evaluated: 2022-06-28. Review status: criteria provided, single submitter. Criteria: Invitae Variant Classification Sherloc (09022015). Collection method: clinical testing. Allele origin: germline.
Comment: This sequence change creates a premature translational stop signal (p.Glu3573*) in the DNHD1 gene. It is expected to result in an absent or disrupted protein product. Loss-of-function variants in DNHD1 are known to be pathogenic (PMID: 34932939). The frequency data for this variant in the population databases is considered unreliable, as metrics indicate poor data quality at this position in the gnomAD database. This variant has not been reported in the literature in individuals affected with DNHD1-related conditions. ClinVar contains an entry for this variant (Variation ID: 931574). For these reasons, this variant has been classified as Pathogenic.

Centre for Mendelian Genomics, University Medical Centre Ljubljana
Classification: Uncertain significance. Last evaluated: 2019-07-08. Review status: criteria provided, single submitter. Criteria: ACMG Guidelines, 2015. Collection method: clinical testing. Allele origin: unknown. Affected: yes.
Comment: This variant was classified as: Uncertain significance. The available evidence on this variant's pathogenicity is insufficient or conflicting. The following ACMG criteria were applied in classifying this variant: No criteria apply.

Literature cited by the submitters: PubMed 34932939 (cited by Labcorp Genetics (formerly Invitae), Labcorp).